The following is an entry in ClinVar:

NM_000215.4(JAK3):c.2731C>G (p.Arg911Gly)

Gene: JAK3 (Janus kinase 3; minus strand). Cytogenetic location: 19p13.11.
Variant type: single nucleotide variant.
Coding change: c.2731C>G on transcript NM_000215.4 (MANE Select); coding-DNA position 2731, C replaced by G.
Protein change: p.Arg911Gly; replaces arginine 911 with glycine.
Molecular consequence: missense variant.
Genome position (GRCh38, 1-based): chr19:17,831,748, G>C on the plus strand (C>G on the coding strand, the complement: JAK3 is on the minus strand). VCF-style: chr19-17831748-G-C. GRCh37 (hg19) VCF-style: chr19-17942557-G-C.
Other names: short protein forms R911G.
Identifiers: ClinVar variation 134578 (VCV000134578.1), dbSNP rs587778417, ClinGen allele CA160240.

ClinVar aggregate classification (germline): not provided (0 of 4 stars; one submission).

Allele frequency attached by ClinVar (database versions not stated): gnomAD exomes below 0.00001.

Submission:

ITMI
No classification provided. Condition: AllHighlyPenetrant. Last evaluated: 2013-09-19. Review status: no classification provided. Collection method: reference population. Allele origin: germline.
Comment: Please see associated publication for description of ethnicities

Literature cited by the submitters: PubMed 24728327.